The following is an entry in ClinVar:

ClinVar aggregate classification (germline): Pathogenic (1 of 4 stars; one submission).

Submission:

GeneDx
Classification: Pathogenic. Last evaluated: 2026-08-06. Review status: criteria provided, single submitter. Criteria: GeneDx Variant Classification Process June 2021. Collection method: clinical testing. Allele origin: germline.
Comment: Frameshift variant predicted to result in protein truncation or nonsense mediated decay in a gene for which loss of function is a known mechanism of disease; Not observed at significant frequency in large population cohorts (gnomAD); Has not been previously published as pathogenic or benign to our knowledge

NM_015015.3(KDM4B):c.2269_2270del (p.Leu757fs)

Gene: KDM4B (lysine demethylase 4B; plus strand). Cytogenetic location: 19p13.3.
Variant type: Deletion.
Coding change: c.2269_2270del on transcript NM_015015.3 (MANE Select); coding-DNA positions 2269 to 2270, 2 bases deleted (CT; older notation c.2269_2270delCT).
Protein change: p.Leu757fs; shifts the reading frame from leucine 757.
Molecular consequence: frameshift variant.
Genome position (GRCh38, 1-based): chr19:5,135,522-5,135,523, CT deleted. VCF-style (leftmost placement, unchanged base first): chr19-5135521-CCT-C. GRCh37 (hg19) VCF-style: chr19-5135532-CCT-C.
Other names: c.2371_2372del, p.Leu791fs (NM_001411148.1); short protein forms L757fs, L791fs.
Identifiers: ClinVar variation 4072464 (VCV004072464.2).